The following is an entry in ClinVar:

ClinVar aggregate classification (germline): Pathogenic (1 of 4 stars; one submission).

Conditions:
Developmental and epileptic encephalopathy. Identifiers: MedGen C5779964, MONDO:0100620.

Submission:

Labcorp Genetics (formerly Invitae), Labcorp
Classification: Pathogenic for Early-infantile DEE. Last evaluated: 2018-08-21. Review status: criteria provided, single submitter. Criteria: Invitae Variant Classification Sherloc (09022015). Collection method: clinical testing. Allele origin: germline.
Comment: This variant is a deletion of the genomic region encompassing exons 7-10 and part of exon 11 (c.964+424_2022del) of the SCN1A gene. It is expected to disrupt RNA splicing and likely results in an absent or disrupted protein product. This variant has not been reported in the literature in individuals with SCN1A-related disease. This variant disrupts the p.Arg393 amino acid residue in SCN1A. Other variant(s) that disrupt this residue have been observed in affected individuals (PMID:¬†17054684, 22848613, 18930999, 21868258), suggesting that it is a clinically significant residue. As a result, variants that disrupt this residue are likely to be causative of disease. For these reasons, this variant has been classified as Pathogenic.

Literature cited by the submitters: PubMed 17054684; PubMed 22848613; PubMed 18930999; PubMed 21868258.

NC_000002.11:g.(?_166900200)_166907805del

Gene: SCN1A (sodium voltage-gated channel alpha subunit 1; minus strand).
Variant type: Deletion.
Identifiers: ClinVar variation 1068872 (VCV001068872.3).